The following is an entry in ClinVar:

NM_001384474.1(LOXHD1):c.1303G>A (p.Asp435Asn)

Gene: LOXHD1 (lipoxygenase homology PLAT domains 1; minus strand). Cytogenetic location: 18q21.1.
Variant type: single nucleotide variant.
Coding change: c.1303G>A on transcript NM_001384474.1 (MANE Select); coding-DNA position 1303, G replaced by A.
Protein change: p.Asp435Asn; replaces aspartic acid 435 with asparagine.
Molecular consequence: missense variant.
Genome position (GRCh38, 1-based): chr18:46,593,728, C>T on the plus strand (G>A on the coding strand, the complement: LOXHD1 is on the minus strand). VCF-style: chr18-46593728-C-T. GRCh37 (hg19) VCF-style: chr18-44173691-C-T.
Other names: c.1303G>A, p.Asp435Asn (NM_144612.7); short protein forms D435N.
Identifiers: ClinVar variation 326873 (VCV000326873.17), dbSNP rs561064266, ClinGen allele CA8952818.
Genomic context (GRCh38, chr18:46,593,728, plus strand): 5'-GCCCCTTCTGCCCATAAATCTGGATGAAGATGGGAGAGTTGGTACCAGCTTTCTTTAGGT[C>T]GGTTGTCCAGACCCACAGGGACCAAGGGAATTCTGTAAGACAGATCAAGTTGCACCATAA-3'
Protein context (NP_001371403.1, residues 425-445): FPWSLWVWTT[Asp435Asn]LKKAGTNSPI

ClinVar aggregate classification (germline): Conflicting classifications of pathogenicity. Review status: criteria provided, conflicting classifications (1 of 4 stars). 4 submissions from 4 submitters: Uncertain significance (2); Likely benign (1). 1 of the submissions does not count toward it. Last evaluated 2026-01-21.

Conditions:
Autosomal recessive nonsyndromic hearing loss 77. Identifiers: Orphanet 90636, MedGen C2746083, MONDO:0013119, OMIM 613079.
LOXHD1-related disorder. Also called: LOXHD1-related condition.

Allele frequency attached by ClinVar (database versions not stated): gnomAD 0.00013; 1000 Genomes Project 30x 0.00016; 1000 Genomes Project 0.00020.
gnomAD v4.1: 244 of 1,551,996 alleles (0.016%); highest among the groups gnomAD compares: South Asian, 0.27%; 3 homozygotes.

Submissions (4):

Labcorp Genetics (formerly Invitae), Labcorp
Classification: Likely benign. Last evaluated: 2026-01-21. Review status: criteria provided, single submitter. Criteria: Invitae Variant Classification Sherloc (09022015). Collection method: clinical testing. Allele origin: germline.

Blueprint Genetics
Classification: Uncertain significance. Last evaluated: 2024-11-26. Review status: criteria provided, single submitter. Criteria: ACMG Guidelines, 2015. Collection method: clinical testing. Allele origin: germline.

Illumina Laboratory Services, Illumina
Classification: Uncertain significance for Autosomal recessive nonsyndromic hearing loss 77. Last evaluated: 2018-01-12. Review status: criteria provided, single submitter. Criteria: ICSL Variant Classification Criteria 13 December 2019. Collection method: clinical testing. Allele origin: germline.

PreventionGenetics, part of Exact Sciences
Classification: Likely benign for LOXHD1-related condition. Last evaluated: 2024-05-19. Review status: no assertion criteria provided. Collection method: clinical testing. Allele origin: germline. Not counted in ClinVar's aggregate classification.
Comment: This variant is classified as likely benign based on ACMG/AMP sequence variant interpretation guidelines (Richards et al. 2015 PMID: 25741868, with internal and published modifications).